The following is an entry in ClinVar:

ClinVar aggregate classification (germline): Uncertain significance (1 of 4 stars; one submission).

Allele frequency attached by ClinVar (database versions not stated): gnomAD 0.00002; TOPMed 0.00002.
gnomAD v4.1: 17 of 1,597,404 alleles (0.0011%); highest among the groups gnomAD compares: Admixed American, 0.0053%; no homozygotes.

Submission:

Labcorp Genetics (formerly Invitae), Labcorp
Classification: Uncertain significance. Last evaluated: 2025-06-02. Review status: criteria provided, single submitter. Criteria: Invitae Variant Classification Sherloc (09022015). Collection method: clinical testing. Allele origin: germline.
Comment: This sequence change replaces glutamic acid, which is acidic and polar, with lysine, which is basic and polar, at codon 729 of the VAC14 protein (p.Glu729Lys). The frequency data for this variant in the population databases is considered unreliable, as metrics indicate poor data quality at this position in the gnomAD database. This variant has not been reported in the literature in individuals affected with VAC14-related conditions. ClinVar contains an entry for this variant (Variation ID: 2168621). An algorithm developed to predict the effect of missense changes on protein structure and function (PolyPhen-2) suggests that this variant is likely to be tolerated. In summary, the available evidence is currently insufficient to determine the role of this variant in disease. Therefore, it has been classified as a Variant of Uncertain Significance.

NM_018052.5(VAC14):c.2185G>A (p.Glu729Lys)

Gene: VAC14 (VAC14 component of PIKFYVE complex; minus strand). Cytogenetic location: 16q22.1.
Variant type: single nucleotide variant.
Coding change: c.2185G>A on transcript NM_018052.5 (MANE Select); coding-DNA position 2185, G replaced by A.
Protein change: p.Glu729Lys; replaces glutamic acid 729 with lysine.
Molecular consequence: missense variant.
Genome position (GRCh38, 1-based): chr16:70,692,822, C>T on the plus strand (G>A on the coding strand, the complement: VAC14 is on the minus strand). VCF-style: chr16-70692822-C-T. GRCh37 (hg19) VCF-style: chr16-70726725-C-T.
Other names: c.1483G>A, p.Glu495Lys (NM_001351157.2); short protein forms E495K, E729K.
Identifiers: ClinVar variation 2168621 (VCV002168621.4), dbSNP rs979486526, ClinGen allele CA283478455.